The following is an entry in ClinVar:

NM_201631.4(TGM5):c.10+11C>T

Gene: TGM5 (transglutaminase 5; minus strand). Cytogenetic location: 15q15.2.
Variant type: single nucleotide variant.
Coding change: c.10+11C>T on transcript NM_201631.4 (MANE Select); 11 bases into the intron after coding-DNA position 10, C replaced by T.
Molecular consequence: intron variant.
Genome position (GRCh38, 1-based): chr15:43,266,829, G>A on the plus strand (C>T on the coding strand, the complement: TGM5 is on the minus strand). VCF-style: chr15-43266829-G-A. GRCh37 (hg19) VCF-style: chr15-43559027-G-A.
Other names: c.10+11C>T (NM_004245.4).
Identifiers: ClinVar variation 316066 (VCV000316066.9), dbSNP rs113296343, ClinGen allele CA7521491.

ClinVar aggregate classification (germline): Benign. Review status: criteria provided, multiple submitters, no conflicts (2 of 4 stars). 3 submissions from 3 submitters: Benign (3). Last evaluated 2021-05-25.

Conditions:
Acral peeling skin syndrome. Also called: Peeling skin syndrome 2. Identifiers: Orphanet 263534, MedGen C1853354, MONDO:0012345, OMIM 609796.

Allele frequency attached by ClinVar (database versions not stated): gnomAD exomes 0.00339 and 0.00796; ExAC 0.00943; 1000 Genomes Project 0.02556; 1000 Genomes Project 30x 0.02577; gnomAD 0.02782 and 0.02990; ESP Exome Variant Server 0.03038; TOPMed 0.03050.
gnomAD v4.1: 9,425 of 1,614,020 alleles (0.58%); highest among the groups gnomAD compares: African/African-American, 9.2%; 360 homozygotes.

Submissions (3):

GeneDx
Classification: Benign. Last evaluated: 2021-05-25. Review status: criteria provided, single submitter. Criteria: GeneDx Variant Classification Process June 2021. Collection method: clinical testing. Allele origin: germline. Affected: yes.

Illumina Laboratory Services, Illumina
Classification: Benign for Acral peeling skin syndrome. Last evaluated: 2018-01-13. Review status: criteria provided, single submitter. Criteria: ICSL Variant Classification Criteria 13 December 2019. Collection method: clinical testing. Allele origin: germline.
Comment: This variant was observed in the ICSL laboratory as part of a predisposition screen in an ostensibly healthy population. It had not been previously curated by ICSL or reported in the Human Gene Mutation Database (HGMD: prior to June 1st, 2018), and was therefore a candidate for classification through an automated scoring system. Utilizing variant allele frequency, disease prevalence and penetrance estimates, and inheritance mode, an automated score was calculated to assess if this variant is too frequent to cause the disease. Based on the score and internal cut-off values, a variant classified as benign is not then subjected to further curation. The score for this variant resulted in a classification of benign for this disease.

Breakthrough Genomics
Classification: Benign. Review status: criteria provided, single submitter. Criteria: ACMG Guidelines, 2015. Collection method: not provided. Allele origin: germline. Inheritance: Autosomal recessive inheritance. Affected: yes.